The following is an entry in ClinVar:

NM_198253.3(TERT):c.1612G>T (p.Glu538Ter)

Gene: TERT (telomerase reverse transcriptase; minus strand). Cytogenetic location: 5p15.33.
Variant type: single nucleotide variant.
Coding change: c.1612G>T on transcript NM_198253.3 (MANE Select); coding-DNA position 1612, G replaced by T.
Protein change: p.Glu538Ter; replaces glutamic acid 538 with a stop codon.
Molecular consequence: nonsense. On other transcripts: non-coding transcript variant (2).
Genome position (GRCh38, 1-based): chr5:1,282,586, C>A on the plus strand (G>T on the coding strand, the complement: TERT is on the minus strand). VCF-style: chr5-1282586-C-A. GRCh37 (hg19) VCF-style: chr5-1282701-C-A.
Other names: c.1612G>T, p.Glu538Ter (NM_001193376.3); short protein forms E538*.
Identifiers: ClinVar variation 1435798 (VCV001435798.6), dbSNP rs2126649912, ClinGen allele CA359083465.

ClinVar aggregate classification (germline): Pathogenic (1 of 4 stars; one submission).

Conditions:
Idiopathic Pulmonary Fibrosis. Also called: Idiopathic fibrosing alveolitis, chronic form; idiopathic fibrosing alveolitis. Identifiers: Orphanet 2032, MedGen C1800706, MeSH D054990, MONDO:0800504.
Dyskeratosis congenita, autosomal dominant 2. Identifiers: MedGen C3151443, MONDO:0013521, OMIM 613989.

Submission:

Labcorp Genetics (formerly Invitae), Labcorp
Classification: Pathogenic for Dyskeratosis congenita, autosomal dominant 2; Idiopathic Pulmonary Fibrosis. Last evaluated: 2021-04-26. Review status: criteria provided, single submitter. Criteria: Invitae Variant Classification Sherloc (09022015). Collection method: clinical testing. Allele origin: germline.
Comment: This variant is not present in population databases (ExAC no frequency). For these reasons, this variant has been classified as Pathogenic. This variant has not been reported in the literature in individuals with TERT-related conditions. This sequence change creates a premature translational stop signal (p.Glu538*) in the TERT gene. It is expected to result in an absent or disrupted protein product. Loss-of-function variants in TERT are known to be pathogenic (PMID: 16247010, 17460043).

Literature cited by the submitters: PubMed 16247010; PubMed 17460043.